The following is an entry in ClinVar:

ClinVar aggregate classification (germline): Uncertain significance (1 of 4 stars; one submission).

Conditions:
Early-infantile DEE. Also called: Early infantile epileptic encephalopathy with suppression bursts; Early infantile epileptic encephalopathy; Ohtahara syndrome. Identifiers: Orphanet 1934, MedGen C0393706, MONDO:0800491.

gnomAD v4.1: 1 of 1,613,910 alleles (0.000062%); highest among the groups gnomAD compares: Non-Finnish European, 0.000085%; no homozygotes.

Submission:

Labcorp Genetics (formerly Invitae), Labcorp
Classification: Uncertain significance for Early-infantile DEE. Last evaluated: 2025-06-14. Review status: criteria provided, single submitter. Criteria: Invitae Variant Classification Sherloc (09022015). Collection method: clinical testing. Allele origin: germline.
Comment: This sequence change replaces aspartic acid, which is acidic and polar, with tyrosine, which is neutral and polar, at codon 1818 of the SCN1A protein (p.Asp1818Tyr). This variant is present in population databases (rs747251662, gnomAD 0.0009%). This variant has not been reported in the literature in individuals affected with SCN1A-related conditions. Invitae Evidence Modeling of protein sequence and biophysical properties (such as structural, functional, and spatial information, amino acid conservation, physicochemical variation, residue mobility, and thermodynamic stability) indicates that this missense variant is expected to disrupt SCN1A protein function with a positive predictive value of 95%. In summary, the available evidence is currently insufficient to determine the role of this variant in disease. Therefore, it has been classified as a Variant of Uncertain Significance.

NM_001165963.4(SCN1A):c.5452G>T (p.Asp1818Tyr)

Genes: SCN1A (sodium voltage-gated channel alpha subunit 1; minus strand), LOC102724058 (uncharacterized LOC102724058; plus strand). Cytogenetic location: 2q24.3.
Variant type: single nucleotide variant.
Coding change: c.5452G>T on transcript NM_001165963.4 (MANE Select); coding-DNA position 5452, G replaced by T.
Protein change: p.Asp1818Tyr; replaces aspartic acid 1818 with tyrosine.
Molecular consequence: missense variant. On other transcripts: non-coding transcript variant (1).
Genome position (GRCh38, 1-based): chr2:165,991,823, C>A on the plus strand (G>T on the coding strand, the complement: SCN1A is on the minus strand). VCF-style: chr2-165991823-C-A. GRCh37 (hg19) VCF-style: chr2-166848333-C-A.
Other names: c.5368G>T, p.Asp1790Tyr (NM_001165964.3, NM_001353957.2, NM_001353958.2); c.5452G>T, p.Asp1818Tyr (NM_001202435.3, NM_001353948.2); c.5419G>T, p.Asp1807Tyr (NM_001353949.2, NM_001353950.2, NM_001353951.2 and 2 more transcripts); c.5416G>T, p.Asp1806Tyr (NM_001353954.2, NM_001353955.2); c.5365G>T, p.Asp1789Tyr (NM_001353960.2); c.3010G>T, p.Asp1004Tyr (NM_001353961.2); short protein forms D1004Y, D1789Y, D1790Y, D1806Y, D1807Y, D1818Y.
Identifiers: ClinVar variation 4800254 (VCV004800254.1).